The following is an entry in ClinVar:

ClinVar aggregate classification (germline): Pathogenic (1 of 4 stars; one submission).

Submission:

GeneDx
Classification: Pathogenic. Last evaluated: 2017-09-19. Review status: criteria provided, single submitter. Criteria: GeneDx Variant Classification (06012015). Collection method: clinical testing. Allele origin: germline. Affected: yes.
Comment: The c.243delT pathogenic variant in the SETX gene has not been reported previously as a pathogenic variant nor as a benign variant, to our knowledge. The c.243delT variant causes a frameshift starting with codon Isoleucine81, changes this amino acid to a Methionine residue, and creates a premature Stop codon at position 9 of the new reading frame, denoted p.Ile81MetfsX9. This variant is predicted to cause loss of normal protein function either through protein truncation or nonsense-mediated mRNA decay. The c.243delT variant is not observed in large population cohorts (Lek et al., 2016; 1000 Genomes Consortium et al., 2015; Exome Variant Server).

NM_015046.7(SETX):c.243del (p.Ile81fs)

Gene: SETX (senataxin; minus strand). Cytogenetic location: 9q34.13.
Variant type: Deletion.
Coding change: c.243del on transcript NM_015046.7 (MANE Select); coding-DNA position 243, one base deleted (T; older notation c.243delT).
Protein change: p.Ile81fs; shifts the reading frame from isoleucine 81.
Molecular consequence: frameshift variant.
Genome position (GRCh38, 1-based): chr9:132,346,406, A deleted on the plus strand (T on the coding strand, the reverse complement: SETX is on the minus strand); the first of 2 consecutive A bases (chr9:132,346,406-132,346,407); deleting either gives the same sequence. VCF-style (leftmost placement, unchanged base first): chr9-132346405-CA-C. GRCh37 (hg19) VCF-style: chr9-135221792-CA-C.
Other names: c.243del, p.Ile81fs (NM_001351527.2, NM_001351528.2); short protein forms I81fs.
Identifiers: ClinVar variation 452281 (VCV000452281.2), dbSNP rs1455336434, ClinGen allele CA590771866.